The following is an entry in ClinVar:

NM_201384.3(PLEC):c.13106C>T (p.Ser4369Leu)

Gene: PLEC (plectin; minus strand). Cytogenetic location: 8q24.3.
Variant type: single nucleotide variant.
Coding change: c.13106C>T on transcript NM_201384.3 (MANE Select); coding-DNA position 13106, C replaced by T.
Protein change: p.Ser4369Leu; replaces serine 4369 with leucine.
Molecular consequence: missense variant.
Genome position (GRCh38, 1-based): chr8:143,916,715, G>A on the plus strand (C>T on the coding strand, the complement: PLEC is on the minus strand). VCF-style: chr8-143916715-G-A. GRCh37 (hg19) VCF-style: chr8-144990883-G-A.
Other names: c.13187C>T, p.Ser4396Leu (NM_000445.5); c.13064C>T, p.Ser4355Leu (NM_201378.4); c.13040C>T, p.Ser4347Leu (NM_201379.3); c.13517C>T, p.Ser4506Leu (NM_201380.4); c.13010C>T, p.Ser4337Leu (NM_201381.3); c.13106C>T, p.Ser4369Leu (NM_201382.4); c.13118C>T, p.Ser4373Leu (NM_201383.3); c.13187C>T (NM_000445.3); short protein forms S4347L, S4369L, S4337L, S4373L, S4396L, S4355L, S4506L.
Identifiers: ClinVar variation 593819 (VCV000593819.14), dbSNP rs1554669959, ClinGen allele CA372476705.

ClinVar aggregate classification (germline): Uncertain significance. Review status: criteria provided, multiple submitters, no conflicts (2 of 4 stars). 3 submissions from 3 submitters: Uncertain significance (3). Last evaluated 2025-12-15.

Conditions:
Inborn genetic diseases. Identifiers: MedGen C0950123, MeSH D030342.
Epidermolysis bullosa simplex, Ogna type (EBS5A). Also called: Pidermolysis bullosa simplex 5A, Ogna type; EPIDERMOLYSIS BULLOSA SIMPLEX 5A, OGNA TYPE. Identifiers: Orphanet 79401, MedGen C0432317, MONDO:0007555, OMIM 131950.
Epidermolysis bullosa simplex with nail dystrophy (EBS5D). Identifiers: MedGen C4225309, MONDO:0014661, OMIM 616487.
Epidermolysis bullosa simplex 5C, with pyloric atresia (EBS5C). Also called: PLEC1-Related Epidermolysis Bullosa with Pyloric Atresia; PLEC-Related Epidermolysis Bullosa with Pyloric Atresia; Epidermolysis bullosa simplex with pyloric atresia. Identifiers: Orphanet 158684, MedGen C2677349, MONDO:0012807, OMIM 612138.
Autosomal recessive limb-girdle muscular dystrophy type 2Q (LGMDR17). Also called: MUSCULAR DYSTROPHY, LIMB-GIRDLE, AUTOSOMAL RECESSIVE 17. Identifiers: Orphanet 254361, MedGen C3150989, MONDO:0013390, OMIM 613723.
Epidermolysis bullosa simplex 5B, with muscular dystrophy (EBS5B). Also called: Epidermolysis bullosa simplex with muscular dystrophy; EPIDERMOLYSIS BULLOSA SIMPLEX AND LIMB-GIRDLE MUSCULAR DYSTROPHY. Identifiers: Orphanet 257, MedGen C2931072, MONDO:0009181, OMIM 226670.

Allele frequency attached by ClinVar (database versions not stated): gnomAD exomes below 0.00001; TOPMed below 0.00001; gnomAD 0.00001.
gnomAD v4.1: 7 of 1,612,802 alleles (0.00043%); highest among the groups gnomAD compares: Admixed American, 0.0017%; no homozygotes.

Submissions (3):

Ambry Genetics
Classification: Uncertain significance for Inborn genetic diseases. Last evaluated: 2025-12-15. Review status: criteria provided, single submitter. Criteria: Ambry Variant Classification Scheme 2023. Collection method: clinical testing. Allele origin: germline.

Labcorp Genetics (formerly Invitae), Labcorp
Classification: Uncertain significance for Autosomal recessive limb-girdle muscular dystrophy type 2Q; Epidermolysis bullosa simplex, Ogna type; Epidermolysis bullosa simplex with nail dystrophy; Epidermolysis bullosa simplex 5C, with pyloric atresia; Epidermolysis bullosa simplex 5B, with muscular dystrophy. Last evaluated: 2022-06-20. Review status: criteria provided, single submitter. Criteria: Invitae Variant Classification Sherloc (09022015). Collection method: clinical testing. Allele origin: germline.
Comment: ClinVar contains an entry for this variant (Variation ID: 593819). This variant has not been reported in the literature in individuals affected with PLEC-related conditions. This variant is present in population databases (no rsID available, gnomAD 0.007%). This sequence change replaces serine, which is neutral and polar, with leucine, which is neutral and non-polar, at codon 4396 of the PLEC protein (p.Ser4396Leu). Algorithms developed to predict the effect of missense changes on protein structure and function (SIFT, PolyPhen-2, Align-GVGD) all suggest that this variant is likely to be disruptive. In summary, the available evidence is currently insufficient to determine the role of this variant in disease. Therefore, it has been classified as a Variant of Uncertain Significance.

Eurofins Ntd Llc (ga)
Classification: Uncertain significance. Last evaluated: 2017-09-01. Review status: criteria provided, single submitter. Criteria: EGL Classification Definitions 2015. Collection method: clinical testing. Allele origin: germline. Observed: 1 variant allele, 1 heterozygote.